The following is an entry in ClinVar:

ClinVar aggregate classification (germline): Likely pathogenic (1 of 4 stars; one submission).

Conditions:
Tumor predisposition syndrome 3 (TPDS3). Also called: Melanoma, cutaneous malignant, susceptibility to, 10; Glioma susceptibility 9; LONG TELOMERE SYNDROME, POT1-RELATED; POT1 Tumor Predisposition. Identifiers: Orphanet 618, MedGen C4014476, MONDO:0014368, OMIM 615848.

Submission:

Labcorp Genetics (formerly Invitae), Labcorp
Classification: Likely pathogenic for Tumor predisposition syndrome 3. Last evaluated: 2024-06-26. Review status: criteria provided, single submitter. Criteria: Invitae Variant Classification Sherloc (09022015). Collection method: clinical testing. Allele origin: germline.
Comment: This sequence change affects an acceptor splice site in intron 10 of the POT1 gene. RNA analysis indicates that disruption of this splice site induces altered splicing and may result in an absent or disrupted protein product. This variant is not present in population databases (gnomAD no frequency). This variant has not been reported in the literature in individuals affected with POT1-related conditions. Studies have shown that disruption of this splice site results in skipping of exon 11 and introduces a premature termination codon (Invitae). The resulting mRNA is expected to undergo nonsense-mediated decay. In summary, the currently available evidence indicates that the variant is pathogenic, but additional data are needed to prove that conclusively. Therefore, this variant has been classified as Likely Pathogenic.

NM_015450.3(POT1):c.870-1G>A

Gene: POT1 (protection of telomeres 1; minus strand). Cytogenetic location: 7q31.33.
Variant type: single nucleotide variant.
Coding change: c.870-1G>A on transcript NM_015450.3 (MANE Select); the canonical splice acceptor site of the intron before coding-DNA position 870, G replaced by A.
Molecular consequence: splice acceptor variant.
Genome position (GRCh38, 1-based): chr7:124,851,952, C>T on the plus strand (G>A on the coding strand, the complement: POT1 is on the minus strand). VCF-style: chr7-124851952-C-T. GRCh37 (hg19) VCF-style: chr7-124492006-C-T.
Other names: c.477-1G>A (NM_001042594.2).
Identifiers: ClinVar variation 3657920 (VCV003657920.2).